The following is an entry in ClinVar:

NM_015662.3(IFT172):c.402+2T>C

Gene: IFT172 (intraflagellar transport 172; minus strand). Cytogenetic location: 2p23.3.
Variant type: single nucleotide variant.
Coding change: c.402+2T>C on transcript NM_015662.3 (MANE Select); the canonical splice donor site of the intron after coding-DNA position 402, T replaced by C.
Molecular consequence: splice donor variant.
Genome position (GRCh38, 1-based): chr2:27,483,870, A>G on the plus strand (T>C on the coding strand, the complement: IFT172 is on the minus strand). VCF-style: chr2-27483870-A-G. GRCh37 (hg19) VCF-style: chr2-27706737-A-G.
Other names: c.402+2T>C (NM_001410739.1).
Identifiers: ClinVar variation 2930852 (VCV002930852.3), dbSNP rs774548930, ClinGen allele CA346401013.
Genomic context (GRCh38, chr2:27,483,870, plus strand): 5'-TCCTCTCTCCAGAACCATTATCCCTACCACCCCCTCTCTTGTGTTTCCCTTCCCTCTTTT[A>G]CCTTCCCTTCAGCCAGTCCAAAGACAATGATGTATTCTGCCGGCCATTGCAGACAAGTGA-3'

ClinVar aggregate classification (germline): Likely pathogenic (1 of 4 stars; one submission).

Conditions:
Short-rib thoracic dysplasia 10 with or without polydactyly (SRTD10). Identifiers: Orphanet 474, MedGen C3810175, MONDO:0014284, OMIM 615630.
Retinitis pigmentosa 71 (RP71). Identifiers: Orphanet 791, MedGen C4225342, MONDO:0014618, OMIM 616394.

Submission:

Labcorp Genetics (formerly Invitae), Labcorp
Classification: Likely pathogenic for Retinitis pigmentosa 71; Short-rib thoracic dysplasia 10 with or without polydactyly. Last evaluated: 2024-06-03. Review status: criteria provided, single submitter. Criteria: Invitae Variant Classification Sherloc (09022015). Collection method: clinical testing. Allele origin: germline.
Comment: This sequence change affects a donor splice site in intron 5 of the IFT172 gene. It is expected to disrupt RNA splicing. Variants that disrupt the donor or acceptor splice site typically lead to a loss of protein function (PMID: 16199547), and loss-of-function variants in IFT172 are known to be pathogenic (PMID: 24140113). This variant is not present in population databases (gnomAD no frequency). Disruption of this splice site has been observed in individual(s) with Bardet-Biedl syndrome (PMID: 37217489). Algorithms developed to predict the effect of sequence changes on RNA splicing suggest that this variant may disrupt the consensus splice site. In summary, the currently available evidence indicates that the variant is pathogenic, but additional data are needed to prove that conclusively. Therefore, this variant has been classified as Likely Pathogenic.

Literature cited by the submitters: PubMed 16199547; PubMed 24140113; PubMed 37217489.